The following is an entry in ClinVar:

NC_000009.12:g.(?_34646586)_(34651238_?)del

Genes: GALT (galactose-1-phosphate uridylyltransferase; plus strand), LOC130001683 (ATAC-STARR-seq lymphoblastoid active region 28314; plus strand). Cytogenetic location: 9p13.3.
Variant type: Deletion.
Identifiers: ClinVar variation 529227 (VCV000529227.1).

ClinVar aggregate classification (germline): Pathogenic (1 of 4 stars; one submission).

Conditions:
Deficiency of UDPglucose-hexose-1-phosphate uridylyltransferase. Also called: Transferase Deficiency Galactosemia; GALACTOSEMIA I; GALACTOSE-1-PHOSPHATE URIDYLYLTRANSFERASE DEFICIENCY; GALT deficiency; Galactosemia, classic. Identifiers: Orphanet 352, Orphanet 79239, MedGen C0268151, MONDO:0009258, OMIM 230400.

Submission:

Labcorp Genetics (formerly Invitae), Labcorp
Classification: Pathogenic for Deficiency of UDPglucose-hexose-1-phosphate uridylyltransferase. Last evaluated: 2017-11-14. Review status: criteria provided, single submitter. Criteria: Invitae Variant Classification Sherloc (09022015). Collection method: clinical testing. Allele origin: germline.
Comment: A gross deletion of the genomic region encompassing the full coding sequence of the GALT gene has been identified. The boundaries of this event are unknown as the deletion extends beyond the assayed region for this gene and therefore may encompass additional genes. Similar deletions of the entire GALT sequence have been reported in the literature in individuals affected with galactosemia (PMID: 17079880, 15841485, 11286505). Loss-of-function variants in GALT are known to be pathogenic (PMID: 22944367). For these reasons, this variant has been classified as Pathogenic.

Literature cited by the submitters: PubMed 17079880; PubMed 15841485; PubMed 11286505.